The following is an entry in ClinVar:

NM_020706.2(SCAF4):c.2288T>C (p.Ile763Thr)

Gene: SCAF4 (SR-related CTD associated factor 4; minus strand). Cytogenetic location: 21q22.11.
Variant type: single nucleotide variant.
Coding change: c.2288T>C on transcript NM_020706.2 (MANE Select); coding-DNA position 2288, T replaced by C.
Protein change: p.Ile763Thr; replaces isoleucine 763 with threonine.
Molecular consequence: missense variant.
Genome position (GRCh38, 1-based): chr21:31,685,406, A>G on the plus strand (T>C on the coding strand, the complement: SCAF4 is on the minus strand). VCF-style: chr21-31685406-A-G. GRCh37 (hg19) VCF-style: chr21-33057719-A-G.
Other names: c.2243T>C, p.Ile748Thr (NM_001145444.1); c.2288T>C, p.Ile763Thr (NM_001145445.1); short protein forms I748T, I763T.
Identifiers: ClinVar variation 3364765 (VCV003364765.1).

ClinVar aggregate classification (germline): Uncertain significance (1 of 4 stars; one submission).

gnomAD v4.1: 1 of 1,610,384 alleles (0.000062%); no homozygotes.

Submission:

GeneDx
Classification: Uncertain significance. Last evaluated: 2023-11-21. Review status: criteria provided, single submitter. Criteria: GeneDx Variant Classification Process June 2021. Collection method: clinical testing. Allele origin: germline. Affected: yes.
Comment: Not observed at significant frequency in large population cohorts (gnomAD); In silico analysis supports that this missense variant does not alter protein structure/function; Has not been previously published as pathogenic or benign to our knowledge